The following is an entry in ClinVar:

NM_024757.5(EHMT1):c.1123A>G (p.Ser375Gly)

Gene: EHMT1 (euchromatic histone lysine methyltransferase 1; plus strand). Cytogenetic location: 9q34.3.
Variant type: single nucleotide variant.
Coding change: c.1123A>G on transcript NM_024757.5 (MANE Select); coding-DNA position 1123, A replaced by G.
Protein change: p.Ser375Gly; replaces serine 375 with glycine.
Molecular consequence: missense variant.
Genome position (GRCh38, 1-based): chr9:137,744,043, A>G. VCF-style: chr9-137744043-A-G. GRCh37 (hg19) VCF-style: chr9-140638495-A-G.
Other names: c.1123A>G, p.Ser375Gly (NM_001145527.2, NM_001354611.2); c.1030A>G, p.Ser344Gly (NM_001354259.2, NM_001354612.2); c.1102A>G, p.Ser368Gly (NM_001354263.2); short protein forms S344G, S368G, S375G.
Identifiers: ClinVar variation 2011080 (VCV002011080.4), dbSNP rs1014104736, ClinGen allele CA201820710.
Genomic context (GRCh38, chr9:137,744,043, plus strand): 5'-GAGCTCGAGGAGGACGACGGCCATGGTGCAGAGCAGGCGGCCGCGTTCCCCACAGAGGAC[A>G]GCAGGACTTCCAAGGAGAGCATGTCGGAGGCTGATCGCGCCCAGAAGGTATGTGTTGCTG-3'
Protein context (NP_079033.4, residues 365-385): EQAAAFPTED[Ser375Gly]RTSKESMSEA

ClinVar aggregate classification (germline): Uncertain significance (1 of 4 stars; one submission).

Conditions:
Kleefstra syndrome 1 (KLEFS1). Identifiers: Orphanet 261494, MedGen C0795833, MONDO:0027407, OMIM 610253.

Allele frequency attached by ClinVar (database versions not stated): TOPMed below 0.00001; gnomAD 0.00001.
gnomAD v4.1: 1 of 1,614,056 alleles (0.000062%); highest among the groups gnomAD compares: African/African-American, 0.0013%; no homozygotes.

Submission:

Labcorp Genetics (formerly Invitae), Labcorp
Classification: Uncertain significance for Kleefstra syndrome 1. Last evaluated: 2024-11-05. Review status: criteria provided, single submitter. Criteria: Invitae Variant Classification Sherloc (09022015). Collection method: clinical testing. Allele origin: germline.
Comment: This sequence change replaces serine, which is neutral and polar, with glycine, which is neutral and non-polar, at codon 375 of the EHMT1 protein (p.Ser375Gly). This variant is not present in population databases (gnomAD no frequency). This variant has not been reported in the literature in individuals affected with EHMT1-related conditions. ClinVar contains an entry for this variant (Variation ID: 2011080). An algorithm developed to predict the effect of missense changes on protein structure and function outputs the following: PolyPhen-2: "Benign". The glycine amino acid residue is found in multiple mammalian species, which suggests that this missense change does not adversely affect protein function. In summary, the available evidence is currently insufficient to determine the role of this variant in disease. Therefore, it has been classified as a Variant of Uncertain Significance.